The following is an entry in ClinVar:

ClinVar aggregate classification (germline): Uncertain significance. Review status: criteria provided, multiple submitters, no conflicts (2 of 4 stars). 2 submissions from 2 submitters: Uncertain significance (2). Last evaluated 2025-08-24.

Conditions:
Agammaglobulinemia 2, autosomal recessive (AGM2). Also called: AGAMMAGLOBULINEMIA, AUTOSOMAL RECESSIVE, DUE TO IGLL1 DEFECT. Identifiers: MedGen C3150750, MONDO:0013287, OMIM 613500.

Allele frequency attached by ClinVar (database versions not stated): gnomAD 0.00001; TOPMed 0.00002; gnomAD exomes 0.00003.

Submissions (2):

Labcorp Genetics (formerly Invitae), Labcorp
Classification: Uncertain significance for Agammaglobulinemia 2, autosomal recessive. Last evaluated: 2025-08-24. Review status: criteria provided, single submitter. Criteria: Invitae Variant Classification Sherloc (09022015). Collection method: clinical testing. Allele origin: germline.
Comment: This sequence change replaces methionine, which is neutral and non-polar, with threonine, which is neutral and polar, at codon 197 of the IGLL1 protein (p.Met197Thr). This variant is present in population databases (rs772660059, gnomAD 0.007%). This variant has not been reported in the literature in individuals affected with IGLL1-related conditions. ClinVar contains an entry for this variant (Variation ID: 861363). An algorithm developed to predict the effect of missense changes on protein structure and function outputs the following: PolyPhen-2: "Benign". The threonine amino acid residue is found in multiple mammalian species, which suggests that this missense change does not adversely affect protein function. In summary, the available evidence is currently insufficient to determine the role of this variant in disease. Therefore, it has been classified as a Variant of Uncertain Significance.

Blueprint Genetics
Classification: Uncertain significance. Last evaluated: 2024-09-16. Review status: criteria provided, single submitter. Criteria: ACMG Guidelines, 2015. Collection method: clinical testing. Allele origin: germline.

NM_020070.4(IGLL1):c.590T>C (p.Met197Thr)

Gene: IGLL1 (immunoglobulin lambda like polypeptide 1; minus strand). Cytogenetic location: 22q11.23.
Variant type: single nucleotide variant.
Coding change: c.590T>C on transcript NM_020070.4 (MANE Select); coding-DNA position 590, T replaced by C.
Protein change: p.Met197Thr; replaces methionine 197 with threonine.
Molecular consequence: missense variant. On other transcripts: 3 prime UTR variant (1).
Genome position (GRCh38, 1-based): chr22:23,573,318, A>G on the plus strand (T>C on the coding strand, the complement: IGLL1 is on the minus strand). VCF-style: chr22-23573318-A-G. GRCh37 (hg19) VCF-style: chr22-23915505-A-G.
Other names: c.593T>C, p.Met198Thr (NM_001369906.1); c.*219T>C (NM_152855.3); short protein forms M197T, M198T.
Identifiers: ClinVar variation 861363 (VCV000861363.8), dbSNP rs772660059, ClinGen allele CA10143218.
Genomic context (GRCh38, chr22:23,573,318, plus strand): 5'-CTGGGAACCTATGAACATTCTGCAGGGGCCACCGTCTTCTCCACGGTGCTCCCTTCGTGC[A>G]TGACCTGGCAGCTGTAGCTTCTGCGGGACCTCCACTGCTCGGGCGTCAGGCTCAGGTAGC-3'
Protein context (NP_064455.1, residues 187-207): RSRRSYSCQV[Met197Thr]HEGSTVEKTV